The following is an entry in ClinVar:

NM_004985.5(KRAS):c.451-5565G>A

Gene: KRAS (KRas proto-oncogene, GTPase; minus strand). Cytogenetic location: 12p12.1.
Variant type: single nucleotide variant.
Coding change: c.451-5565G>A on transcript NM_004985.5 (MANE Select); 5565 bases into the intron before coding-DNA position 451, G replaced by A.
Molecular consequence: intron variant. On other transcripts: missense variant (2).
Genome position (GRCh38, 1-based): chr12:25,215,476, C>T on the plus strand (G>A on the coding strand, the complement: KRAS is on the minus strand). VCF-style: chr12-25215476-C-T. GRCh37 (hg19) VCF-style: chr12-25368410-C-T.
Other names: c.535G>A, p.Gly179Ser (NM_001369786.1, NM_033360.4); c.451-5565G>A (NM_001369787.1); short protein forms G179S.
Identifiers: ClinVar variation 46540 (VCV000046540.11), dbSNP rs200970347, ClinGen allele CA138588.

ClinVar aggregate classification (germline): Benign/Likely benign. Review status: criteria provided, multiple submitters, no conflicts (2 of 4 stars). 7 submissions from 7 submitters: Benign (1); Likely benign (4). 2 of the submissions do not count toward it. Last evaluated 2024-11-25.

Conditions:
KRAS-related disorder. Also called: KRAS-related condition; KRAS-related disorders.
Cardiovascular phenotype. Identifiers: MedGen CN230736.

Allele frequency attached by ClinVar (database versions not stated): gnomAD exomes 0.00023 and 0.00055; gnomAD 0.00029 and 0.00031; ExAC 0.00036; TOPMed 0.00039; ESP Exome Variant Server 0.00008; 1000 Genomes Project 30x 0.00016; 1000 Genomes Project 0.00020.
gnomAD v4.1: 409 of 1,611,406 alleles (0.025%); highest among the groups gnomAD compares: Admixed American, 0.098%; 3 homozygotes.

Submissions (7):

Blueprint Genetics
Classification: Likely benign. Last evaluated: 2024-11-25. Review status: criteria provided, single submitter. Criteria: ACMG Guidelines, 2015. Collection method: clinical testing. Allele origin: germline.

Ambry Genetics
Classification: Likely benign for Cardiovascular phenotype. Last evaluated: 2021-11-15. Review status: criteria provided, single submitter. Criteria: Ambry Variant Classification Scheme 2023. Collection method: clinical testing. Allele origin: germline.

Women's Health and Genetics/Laboratory Corporation of America, LabCorp
Classification: Benign. Last evaluated: 2020-08-24. Review status: criteria provided, single submitter. Criteria: LabCorp Variant Classification Summary - May 2015. Collection method: clinical testing. Allele origin: germline.
Comment: Variant summary: KRAS c.535G>A (p.Gly179Ser) results in a non-conservative amino acid change in the encoded protein sequence. Three of five in-silico tools predict a benign effect of the variant on protein function. The variant, Gly179Ser, occurs in exon 5 of KRAS (NM_033360), i.e. in an alternatively spliced exon, not included in the transcript (NM_004985) associated with RASopathy conditions (PMID: 29493581). The variant allele was found at a frequency of 0.00055 in 252582 control chromosomes in the gnomAD database, including 1 homozygote. The observed variant frequency is approximately 40-fold of the estimated maximal expected allele frequency for a pathogenic variant in KRAS causing Noonan Syndrome and Related Conditions phenotype (1.3e-05), strongly suggesting that the variant is benign. To our knowledge, the variant c.535G>A has not been reported in the literature in individuals affected with Noonan Syndrome and Related Conditions and, no experimental evidence demonstrating an impact on protein function has been reported. One clinical diagnostic laboratory has submitted clinical-significance assessments for this variant to ClinVar after 2014, and classified the variant as likely benign. Based on the evidence outlined above, the variant was classified as benign.

GeneDx
Classification: Likely benign. Last evaluated: 2016-02-25. Review status: criteria provided, single submitter. Criteria: GeneDx Variant Classification (06012015). Collection method: clinical testing. Allele origin: germline. Affected: yes.
Comment: This variant is considered likely benign or benign based on one or more of the following criteria: it is a conservative change, it occurs at a poorly conserved position in the protein, it is predicted to be benign by multiple in silico algorithms, and/or has population frequency not consistent with disease.

Laboratory for Molecular Medicine, Mass General Brigham Personalized Medicine
Classification: Likely benign. Last evaluated: 2010-12-03. Review status: criteria provided, single submitter. Criteria: LMM Criteria. Collection method: clinical testing. Allele origin: germline. Observed: 3 variant alleles.
Comment: This variant has not been previously reported in the literature, though it has b een observed by our laboratory in two probands and an individual who is reported ly unaffected with the clinical features of Noonan, LEOPARD, Costello, or Cardio -facio-cutaneous syndromes (NS, LS, CS, CFC). Gly179Ser occurs in exon 5 of KRAS which is an alternatively spliced exon not included in the ubiquitously express ed KRAS transcript B. No variants in exon 5 of KRAS have been proven to be patho genic to date. Two other variants, one missense and one premature stop, have bee n identified in other probands by our laboratory. Neither of these variants have segregated with disease in the families of the probands. Both families with thi s variant are reportedly Hispanic; we have now observed this variant in 2/87 (2. 3%) of Hispanic probands; therefore, this variant could be common in this popula tion. In summary, this variant is likely to be benign.

PreventionGenetics, part of Exact Sciences
Classification: Likely benign for KRAS-related condition. Last evaluated: 2020-09-23. Review status: no assertion criteria provided. Collection method: clinical testing. Allele origin: germline. Not counted in ClinVar's aggregate classification.
Comment: This variant is classified as likely benign based on ACMG/AMP sequence variant interpretation guidelines (Richards et al. 2015 PMID: 25741868, with internal and published modifications).

ITMI
No classification provided. Condition: AllHighlyPenetrant. Last evaluated: 2013-09-19. Review status: no classification provided. Collection method: reference population. Allele origin: germline. Not counted in ClinVar's aggregate classification.
Comment: Please see associated publication for description of ethnicities

Literature cited by the submitters: PubMed 24728327 (cited by Women's Health and Genetics/Laboratory Corporation of America, LabCorp and ITMI); PubMed 24356096 (cited by Women's Health and Genetics/Laboratory Corporation of America, LabCorp).